The following is an entry in ClinVar:

NM_138694.4(PKHD1):c.2329A>G (p.Thr777Ala)

Gene: PKHD1 (PKHD1 ciliary IPT domain containing fibrocystin/polyductin; minus strand). Cytogenetic location: 6p12.2.
Variant type: single nucleotide variant.
Coding change: c.2329A>G on transcript NM_138694.4 (MANE Select); coding-DNA position 2329, A replaced by G.
Protein change: p.Thr777Ala; replaces threonine 777 with alanine.
Molecular consequence: missense variant.
Genome position (GRCh38, 1-based): chr6:52,048,570, T>C on the plus strand (A>G on the coding strand, the complement: PKHD1 is on the minus strand). VCF-style: chr6-52048570-T-C. GRCh37 (hg19) VCF-style: chr6-51913368-T-C.
Other names: c.2329A>G, p.Thr777Ala (NM_170724.3); short protein forms T777A.
Identifiers: ClinVar variation 3635295 (VCV003635295.2).
Genomic context (GRCh38, chr6:52,048,570, plus strand): 5'-GAAGCTGGATGCGAAAGTGTCCTCCTAGAGGTGGACTTGTCCGCTGTCGTCTCTGTGTCG[T>C]CACCAGGACCAGTCCAGATCCCTCTTCTGTTCCTTCAGTGGGCACAGAGCTGTGGCACGT-3'
Protein context (NP_619639.3, residues 767-787): TEEGSGLVLV[Thr777Ala]TQRRQRTSPP

ClinVar aggregate classification (germline): Uncertain significance (1 of 4 stars; one submission).

Conditions:
Autosomal recessive polycystic kidney disease (ARPKD). Also called: AR polycystic kidney disease. Identifiers: Orphanet 731, Orphanet 8378, MedGen C0085548, MeSH D017044, MONDO:0009889.

Submission:

Labcorp Genetics (formerly Invitae), Labcorp
Classification: Uncertain significance for Autosomal recessive polycystic kidney disease. Last evaluated: 2025-01-07. Review status: criteria provided, single submitter. Criteria: Invitae Variant Classification Sherloc (09022015). Collection method: clinical testing. Allele origin: germline.
Comment: This sequence change replaces threonine, which is neutral and polar, with alanine, which is neutral and non-polar, at codon 777 of the PKHD1 protein (p.Thr777Ala). This variant is not present in population databases (gnomAD no frequency). This variant has not been reported in the literature in individuals affected with PKHD1-related conditions. Invitae Evidence Modeling of protein sequence and biophysical properties (such as structural, functional, and spatial information, amino acid conservation, physicochemical variation, residue mobility, and thermodynamic stability) indicates that this missense variant is not expected to disrupt PKHD1 protein function with a negative predictive value of 95%. In summary, the available evidence is currently insufficient to determine the role of this variant in disease. Therefore, it has been classified as a Variant of Uncertain Significance.